The following is an entry in ClinVar:

NM_002471.4(MYH6):c.3177C>T (p.Gly1059=)

Gene: MYH6 (myosin heavy chain 6; minus strand). Cytogenetic location: 14q11.2.
Variant type: single nucleotide variant.
Coding change: c.3177C>T on transcript NM_002471.4 (MANE Select); coding-DNA position 3177, C replaced by T.
Protein change: p.Gly1059=; no amino-acid change (glycine 1059 retained).
Molecular consequence: synonymous variant.
Genome position (GRCh38, 1-based): chr14:23,392,986, G>A on the plus strand (C>T on the coding strand, the complement: MYH6 is on the minus strand). VCF-style: chr14-23392986-G-A. GRCh37 (hg19) VCF-style: chr14-23862195-G-A.
Identifiers: ClinVar variation 263779 (VCV000263779.26), dbSNP rs529676901, ClinGen allele CA7115284.
Genomic context (GRCh38, chr14:23,392,986, plus strand): 5'-TTCCAGCTGCAGTTTATCATTTTCCAGGTCCATGATGCTCTCCTGGGTCAGCTTCAGGTC[G>A]CCCTCCAGTTTCCGCTTTGCTCGCTCCAGGTCCATGCGCACCTTCTTCTCTTGCTCTAGG-3'
Protein context (NP_002462.2, residues 1049-1069): DLERAKRKLE[Gly1059=]DLKLTQESIM

ClinVar aggregate classification (germline): Conflicting classifications of pathogenicity. Review status: criteria provided, conflicting classifications (1 of 4 stars). 10 submissions from 10 submitters: Uncertain significance (1); Likely benign (4). 5 of the submissions do not count toward it. Last evaluated 2025-12-09.

Conditions:
Cardiovascular phenotype. Identifiers: MedGen CN230736.
Cardiomyopathy (CMYO). Also called: Cardiomyopathies. Identifiers: Orphanet 167848, MedGen C0878544, MONDO:0004994, HP:0001638. Inheritance: Various modes of inheritance.
Hypertrophic cardiomyopathy 14. Identifiers: MedGen C2750467, MONDO:0013197, OMIM 613251.

Allele frequency attached by ClinVar (database versions not stated): gnomAD 0.00006; TOPMed 0.00007; 1000 Genomes Project 0.00020; 1000 Genomes Project 30x 0.00031.
gnomAD v4.1: 308 of 1,614,128 alleles (0.019%); highest among the groups gnomAD compares: Non-Finnish European, 0.025%; no homozygotes.

Submissions (10):

Labcorp Genetics (formerly Invitae), Labcorp
Classification: Likely benign for Hypertrophic cardiomyopathy 14. Last evaluated: 2025-12-09. Review status: criteria provided, single submitter. Criteria: Invitae Variant Classification Sherloc (09022015). Collection method: clinical testing. Allele origin: germline.

Blueprint Genetics
Classification: Likely benign. Last evaluated: 2024-11-06. Review status: criteria provided, single submitter. Criteria: ACMG Guidelines, 2015. Collection method: clinical testing. Allele origin: germline.

GeneDx
Classification: Likely benign. Last evaluated: 2017-10-18. Review status: criteria provided, single submitter. Criteria: GeneDx Variant Classification (06012015). Collection method: clinical testing. Allele origin: germline. Affected: yes.
Comment: This variant is considered likely benign or benign based on one or more of the following criteria: it is a conservative change, it occurs at a poorly conserved position in the protein, it is predicted to be benign by multiple in silico algorithms, and/or has population frequency not consistent with disease.

CHEO Genetics Diagnostic Laboratory, Children's Hospital of Eastern Ontario
Classification: Uncertain significance for Cardiomyopathy. Last evaluated: 2017-03-08. Review status: criteria provided, single submitter. Criteria: ACMG Guidelines, 2015. Collection method: clinical testing. Allele origin: germline. Study: Canadian Open Genetics Repository.

Ambry Genetics
Classification: Likely benign for Cardiovascular phenotype. Last evaluated: 2016-10-31. Review status: criteria provided, single submitter. Criteria: Ambry Variant Classification Scheme 2023. Collection method: clinical testing. Allele origin: germline.

Clinical Genetics DNA and cytogenetics Diagnostics Lab, Erasmus MC, Erasmus Medical Center
Classification: Likely benign. Review status: no assertion criteria provided. Collection method: clinical testing. Allele origin: germline. Affected: yes. Study: VKGL Data-share Consensus. Not counted in ClinVar's aggregate classification.

Clinical Genetics, Academic Medical Center
Classification: Benign. Review status: no assertion criteria provided. Collection method: clinical testing. Allele origin: germline. Affected: yes. Study: VKGL Data-share Consensus. Not counted in ClinVar's aggregate classification.

Diagnostic Laboratory, Department of Genetics, University Medical Center Groningen
Classification: Likely benign. Review status: no assertion criteria provided. Collection method: clinical testing. Allele origin: germline. Affected: yes. Study: VKGL Data-share Consensus. Not counted in ClinVar's aggregate classification.

Genome Diagnostics Laboratory, University Medical Center Utrecht
Classification: Likely benign. Review status: no assertion criteria provided. Collection method: clinical testing. Allele origin: germline. Affected: yes. Study: VKGL Data-share Consensus. Not counted in ClinVar's aggregate classification.

Joint Genome Diagnostic Labs from Nijmegen and Maastricht, Radboudumc and MUMC+
Classification: Likely benign. Review status: no assertion criteria provided. Collection method: clinical testing. Allele origin: germline. Affected: yes. Study: VKGL Data-share Consensus. Not counted in ClinVar's aggregate classification.